The following is an entry in ClinVar:

ClinVar aggregate classification (germline): Pathogenic/Likely pathogenic. Review status: criteria provided, multiple submitters, no conflicts (2 of 4 stars). 5 submissions from 5 submitters: Pathogenic (4); Likely pathogenic (1). Last evaluated 2026-10-07.

Conditions:
Smith-Lemli-Opitz syndrome (SLOS). Also called: LETHAL ACRODYSGENITAL SYNDROME; POLYDACTYLY, SEX REVERSAL, RENAL HYPOPLASIA, AND UNILOBAR LUNG; RSH SYNDROME; RUTLEDGE LETHAL MULTIPLE CONGENITAL ANOMALY SYNDROME; 7-Dehydrocholesterol reductase deficiency. Identifiers: Orphanet 818, MedGen C0175694, MONDO:0010035, OMIM 270400.

Submissions (5):

GeneDx
Classification: Pathogenic. Last evaluated: 2026-10-07. Review status: criteria provided, single submitter. Criteria: GeneDx Variant Classification Process June 2021. Collection method: clinical testing. Allele origin: germline.
Comment: Frameshift variant predicted to result in protein truncation or nonsense mediated decay in a gene for which loss of function is a known mechanism of disease; Not observed at significant frequency in large population cohorts (gnomAD); This variant is associated with the following publications: (PMID: 33270637, 15776424, 31980526)

Natera, Inc.
Classification: Pathogenic for Smith-Lemli-Opitz syndrome. Last evaluated: 2025-10-26. Review status: criteria provided, single submitter. Criteria: Natera Variant Classification Schema (03/2026). Collection method: clinical testing. Allele origin: germline.
Comment: The c.355delC variant in DHCR7 is a frameshift variant predicted to shift the reading frame beginning at codon 119 and leads to a stop codon 8 codons downstream. This variant is expected to result in nonsense mediated decay, truncation, or a dysfunctional protein product. This variant is rare in the general population with a frequency below the threshold expected for the associated phenotype(s). This variant has been observed in one or more individuals affected with the associated recessive disease, as either homozygous or compound heterozygous with a second variant (PMID: 15776424). Given the available evidence, this variant is classified as Pathogenic.

Labcorp Genetics (formerly Invitae), Labcorp
Classification: Pathogenic for Smith-Lemli-Opitz syndrome. Last evaluated: 2023-11-10. Review status: criteria provided, single submitter. Criteria: Invitae Variant Classification Sherloc (09022015). Collection method: clinical testing. Allele origin: germline.
Comment: This sequence change creates a premature translational stop signal (p.His119Ilefs*8) in the DHCR7 gene. It is expected to result in an absent or disrupted protein product. Loss-of-function variants in DHCR7 are known to be pathogenic (PMID: 9634533, 10677299). This variant is present in population databases (rs747827699, gnomAD 0.0009%). This premature translational stop signal has been observed in individual(s) with Smith–Lemli–Opitz syndrome (PMID: 15776424). ClinVar contains an entry for this variant (Variation ID: 813425). Algorithms developed to predict the effect of sequence changes on RNA splicing suggest that this variant may disrupt the consensus splice site. For these reasons, this variant has been classified as Pathogenic.

Women's Health and Genetics/Laboratory Corporation of America, LabCorp
Classification: Likely pathogenic for Smith-Lemli-Opitz syndrome. Last evaluated: 2022-11-28. Review status: criteria provided, single submitter. Criteria: LabCorp Variant Classification Summary - May 2015. Collection method: clinical testing. Allele origin: germline.
Comment: Variant summary: DHCR7 c.355delC (p.His119IlefsX8) results in a premature termination codon, predicted to cause a truncation of the encoded protein or absence of the protein due to nonsense mediated decay, which are commonly known mechanisms for disease. Truncations downstream of this position have been classified as pathogenic by our laboratory. The variant allele was found at a frequency of 4e-06 in 250946 control chromosomes. c.355delC has been reported in the literature in individuals affected with Smith-Lemli-Opitz Syndrome (Witsch-Baumgartner_2005). To our knowledge, no experimental evidence demonstrating an impact on protein function has been reported. Two clinical diagnostic laboratories have submitted clinical-significance assessments for this variant to ClinVar after 2014. All laboratories classified the variant as pathogenic. Based on the evidence outlined above, the variant was classified as likely pathogenic.

Fulgent Genetics
Classification: Pathogenic for Smith-Lemli-Opitz syndrome. Last evaluated: 2022-03-21. Review status: criteria provided, single submitter. Criteria: ACMG Guidelines, 2015. Collection method: clinical testing. Allele origin: unknown.

Literature cited by the submitters: PubMed 15776424 (cited by 3 submitters); PubMed 9634533 (cited by Labcorp Genetics (formerly Invitae), Labcorp); PubMed 10677299 (cited by Labcorp Genetics (formerly Invitae), Labcorp); PubMed 33270637 (cited by Women's Health and Genetics/Laboratory Corporation of America, LabCorp).

NM_001360.3(DHCR7):c.355del (p.His119fs)

Gene: DHCR7 (7-dehydrocholesterol reductase; minus strand). Cytogenetic location: 11q13.4.
Variant type: Deletion.
Coding change: c.355del on transcript NM_001360.3 (MANE Select); coding-DNA position 355, one base deleted (C; older notation c.355delC).
Protein change: p.His119fs; shifts the reading frame from histidine 119.
Molecular consequence: frameshift variant.
Genome position (GRCh38, 1-based): chr11:71,442,320, G deleted on the plus strand (C on the coding strand, the reverse complement: DHCR7 is on the minus strand); the first of 2 consecutive G bases (chr11:71,442,320-71,442,321); deleting either gives the same sequence. VCF-style (leftmost placement, unchanged base first): chr11-71442319-TG-T. GRCh37 (hg19) VCF-style: chr11-71153365-TG-T.
Other names: c.355del (NM_001360.2); c.355del, p.His119fs (NM_001163817.2); c.355delC (NM_001360.2); short protein forms H119fs.
Identifiers: ClinVar variation 813425 (VCV000813425.17), dbSNP rs747827699, ClinGen allele CA6162606.